The following is an entry in ClinVar:

NM_001195518.2(MICU1):c.460C>T (p.Arg154Ter)

Gene: MICU1 (mitochondrial calcium uptake 1; minus strand). Cytogenetic location: 10q22.1.
Variant type: single nucleotide variant.
Coding change: c.460C>T on transcript NM_001195518.2 (MANE Select); coding-DNA position 460, C replaced by T.
Protein change: p.Arg154Ter; replaces arginine 154 with a stop codon.
Molecular consequence: nonsense.
Genome position (GRCh38, 1-based): chr10:72,551,212, G>A on the plus strand (C>T on the coding strand, the complement: MICU1 is on the minus strand). VCF-style: chr10-72551212-G-A. GRCh37 (hg19) VCF-style: chr10-74310970-G-A.
Other names: c.460C>T, p.Arg154Ter (NM_001363513.2, NM_006077.4); short protein forms R154*.
Identifiers: ClinVar variation 1027817 (VCV001027817.5), dbSNP rs1840027040, ClinGen allele CA377394887.

ClinVar aggregate classification (germline): Pathogenic/Likely pathogenic. Review status: criteria provided, multiple submitters, no conflicts (2 of 4 stars). 3 submissions from 3 submitters: Pathogenic (1); Likely pathogenic (2). Last evaluated 2022-05-24.

Conditions:
Proximal myopathy with extrapyramidal signs. Also called: Myopathy with extrapyramidal signs. Identifiers: Orphanet 401768, MedGen C3810285, MONDO:0014300, OMIM 615673.

Submissions (3):

MGZ Medical Genetics Center
Classification: Likely pathogenic for Proximal myopathy with extrapyramidal signs. Last evaluated: 2022-05-24. Review status: criteria provided, single submitter. Criteria: ACMG Guidelines, 2015. Collection method: clinical testing. Allele origin: germline. Affected: yes. Observed: 1 variant allele.
Comment: ACMG criteria applied: PVS1, PM2_SUP

Baylor Genetics
Classification: Pathogenic for Proximal myopathy with extrapyramidal signs. Last evaluated: 2020-01-23. Review status: criteria provided, single submitter. Criteria: ACMG Guidelines, 2015. Collection method: clinical testing. Allele origin: unknown. Affected: yes.
Comment: This variant was determined to be pathogenic according to ACMG Guidelines, 2015 [PMID:25741868].

Juno Genomics, Hangzhou Juno Genomics, Inc
Classification: Likely pathogenic for Proximal myopathy with extrapyramidal signs. Review status: criteria provided, single submitter. Criteria: ACMG Guidelines, 2015. Collection method: clinical testing. Allele origin: germline.
Comment: Null variant in a gene where loss of function (LOF) is a known mechanism of disease.;Absent from controls (or at extremely low frequency if recessive) in Genome Aggregation Database.